The following is an entry in ClinVar:

ClinVar aggregate classification (germline): Uncertain significance (1 of 4 stars; one submission).

Submission:

GeneDx
Classification: Uncertain significance. Last evaluated: 2023-01-30. Review status: criteria provided, single submitter. Criteria: GeneDx Variant Classification Process June 2021. Collection method: clinical testing. Allele origin: germline. Affected: yes.
Comment: Not observed at significant frequency in large population cohorts (gnomAD); In silico analysis supports that this missense variant has a deleterious effect on protein structure/function; Has not been previously published as pathogenic or benign to our knowledge

NM_001170629.2(CHD8):c.2662G>T (p.Val888Leu)

Gene: CHD8 (chromodomain helicase DNA binding protein 8; minus strand). Cytogenetic location: 14q11.2.
Variant type: single nucleotide variant.
Coding change: c.2662G>T on transcript NM_001170629.2 (MANE Select); coding-DNA position 2662, G replaced by T.
Protein change: p.Val888Leu; replaces valine 888 with leucine.
Molecular consequence: missense variant.
Genome position (GRCh38, 1-based): chr14:21,408,380, C>A on the plus strand (G>T on the coding strand, the complement: CHD8 is on the minus strand). VCF-style: chr14-21408380-C-A. GRCh37 (hg19) VCF-style: chr14-21876539-C-A.
Other names: c.1825G>T, p.Val609Leu (NM_020920.4); short protein forms V609L, V888L.
Identifiers: ClinVar variation 2574460 (VCV002574460.1), dbSNP rs1350645239, ClinGen allele CA388874836.